The following is an entry in ClinVar:

NM_001375808.2(LPIN2):c.991G>T (p.Ala331Ser)

Gene: LPIN2 (lipin 2; minus strand). Cytogenetic location: 18p11.31.
Variant type: single nucleotide variant.
Coding change: c.991G>T on transcript NM_001375808.2 (MANE Select); coding-DNA position 991, G replaced by T.
Protein change: p.Ala331Ser; replaces alanine 331 with serine.
Molecular consequence: missense variant.
Genome position (GRCh38, 1-based): chr18:2,937,869, C>A on the plus strand (G>T on the coding strand, the complement: LPIN2 is on the minus strand). VCF-style: chr18-2937869-C-A. GRCh37 (hg19) VCF-style: chr18-2937867-C-A.
Other names: c.991G>T, p.Ala331Ser (NM_001375809.1, NM_014646.2); short protein forms A331S.
Identifiers: ClinVar variation 21520 (VCV000021520.79), dbSNP rs80338805, ClinGen allele CA342167.

ClinVar aggregate classification (germline): Conflicting classifications of pathogenicity. Review status: criteria provided, conflicting classifications (1 of 4 stars). 15 submissions from 15 submitters: Uncertain significance (1); Benign (2); Likely benign (7). 5 of the submissions do not count toward it. Last evaluated 2026-03-01.

Conditions:
LPIN2-related disorder. Also called: LPIN2-related condition.
Autoinflammatory syndrome. Identifiers: Orphanet 93665, MedGen C3890737, MONDO:0019751.
Majeed syndrome (MJDS). Also called: LPIN2-Related Majeed Syndrome; CHRONIC RECURRENT MULTIFOCAL OSTEOMYELITIS 1, WITH CONGENITAL DYSERYTHROPOIETIC ANEMIA, WITH OR WITHOUT NEUTROPHILIC DERMATOSIS. Identifiers: Orphanet 77297, MedGen C1864997, MONDO:0012316, OMIM 609628.

Allele frequency attached by ClinVar (database versions not stated): gnomAD exomes 0.00158; 1000 Genomes Project 0.00160; 1000 Genomes Project 30x 0.00187; TOPMed 0.00195; ESP Exome Variant Server 0.00092; ExAC 0.00114; gnomAD 0.00142 and 0.00143.
gnomAD v4.1: 3,074 of 1,614,088 alleles (0.19%); highest among the groups gnomAD compares: Admixed American, 0.44%; 4 homozygotes.

Submissions (15):

CeGaT Center for Human Genetics Tuebingen
Classification: Likely benign. Last evaluated: 2026-03-01. Review status: criteria provided, single submitter. Criteria: CeGaT Center For Human Genetics Tuebingen Variant Classification Criteria Version 2. Collection method: clinical testing. Allele origin: germline. Affected: yes. Observed: 3 variant alleles.
Comment: LPIN2: BP4, BS2

Labcorp Genetics (formerly Invitae), Labcorp
Classification: Likely benign for Majeed syndrome. Last evaluated: 2026-01-26. Review status: criteria provided, single submitter. Criteria: Invitae Variant Classification Sherloc (09022015). Collection method: clinical testing. Allele origin: germline.

Women's Health and Genetics/Laboratory Corporation of America, LabCorp
Classification: Likely benign. Last evaluated: 2025-01-03. Review status: criteria provided, single submitter. Criteria: LabCorp Variant Classification Summary - May 2015. Collection method: clinical testing. Allele origin: germline.
Comment: Variant summary: LPIN2 c.991G>T (p.Ala331Ser) results in a conservative amino acid change in the encoded protein sequence. Three of four in-silico tools predict a benign effect of the variant on protein function. The variant allele was found at a frequency of 0.0016 in 251154 control chromosomes, predominantly at a frequency of 0.0042 within the Latino subpopulation in the gnomAD database, including 1 homozygotes. The observed variant frequency within Latino control individuals in the gnomAD database is approximately 3.76 fold of the estimated maximal expected allele frequency for a pathogenic variant in LPIN2 causing Majeed syndrome phenotype (0.0011). c.991G>T has been reported in the literature in individual(s) affected with Psoriasis (Dopazo_2016). These report(s) do not provide unequivocal conclusions about association of the variant with Majeed syndrome. To our knowledge, no experimental evidence demonstrating an impact on protein function has been reported. The following publication have been ascertained in the context of this evaluation (PMID: 26764160). ClinVar contains an entry for this variant (Variation ID: 21520). Based on the evidence outlined above, the variant was classified as likely benign.

Blueprint Genetics
Classification: Benign. Last evaluated: 2024-11-25. Review status: criteria provided, single submitter. Criteria: ACMG Guidelines, 2015. Collection method: clinical testing. Allele origin: germline.

ARUP Laboratories, Molecular Genetics and Genomics, ARUP Laboratories
Classification: Likely benign for Majeed syndrome. Last evaluated: 2024-10-11. Review status: criteria provided, single submitter. Criteria: ARUP Molecular Germline Variant Investigation Process 2024. Collection method: clinical testing. Allele origin: germline.

Mayo Clinic Laboratories, Mayo Clinic
Classification: Likely benign. Last evaluated: 2024-07-01. Review status: criteria provided, single submitter. Criteria: ACMG Guidelines, 2015. Collection method: clinical testing. Allele origin: germline. Observed: 3 variant alleles.
Comment: BS1

Genome Diagnostics Laboratory, The Hospital for Sick Children
Classification: Likely benign for Autoinflammatory syndrome. Last evaluated: 2022-02-22. Review status: criteria provided, single submitter. Criteria: ACMG Guidelines, 2015. Collection method: clinical testing. Allele origin: germline. Affected: yes.

GeneDx
Classification: Likely benign. Last evaluated: 2021-05-03. Review status: criteria provided, single submitter. Criteria: GeneDx Variant Classification Process June 2021. Collection method: clinical testing. Allele origin: germline. Affected: yes.
Comment: This variant is associated with the following publications: (PMID: 20301735, 26764160)

Center for Genomics, Ann and Robert H. Lurie Children's Hospital of Chicago
Classification: Uncertain significance for Majeed syndrome. Last evaluated: 2021-03-30. Review status: criteria provided, single submitter. Criteria: ACMG Guidelines, 2015. Collection method: clinical testing. Allele origin: germline.
Comment: LPIN2 NM_014646.2 exon 7 p.Ala331Ser (c.991G>T): This variant has been reported in the Hereditary Auto-inflammatory Disorders database in 1 individual with psoriasis. However, this variant is present in 0.4% (147/34416) of Latino alleles, including 1 homozygote in the Genome Aggregation Database. This variant is present in ClinVar (Variation ID:21520). Evolutionary conservation and computational predictive tools for this variant are unclear. In summary, data on this variant is insufficient for disease classification. Therefore, the clinical significance of this variant is uncertain.

Illumina Laboratory Services, Illumina
Classification: Benign for Majeed syndrome. Last evaluated: 2017-04-27. Review status: criteria provided, single submitter. Criteria: ICSL Variant Classification Criteria 13 December 2019. Collection method: clinical testing. Allele origin: germline.
Comment: This variant was observed as part of a predisposition screen in an ostensibly healthy population. A literature search was performed for the gene, cDNA change, and amino acid change (where applicable). No publications were found based on this search. Allele frequency data from public databases was too high to be consistent with this variant causing disease. Therefore, this variant is classified as benign.

PreventionGenetics, part of Exact Sciences
Classification: Likely benign for LPIN2-related condition. Last evaluated: 2023-04-20. Review status: no assertion criteria provided. Collection method: clinical testing. Allele origin: germline. Not counted in ClinVar's aggregate classification.
Comment: This variant is classified as likely benign based on ACMG/AMP sequence variant interpretation guidelines (Richards et al. 2015 PMID: 25741868, with internal and published modifications).

Diagnostic Laboratory, Department of Genetics, University Medical Center Groningen
Classification: Likely benign. Review status: no assertion criteria provided. Collection method: clinical testing. Allele origin: germline. Affected: yes. Study: VKGL Data-share Consensus. Not counted in ClinVar's aggregate classification.

GeneReviews
No classification provided. Condition: Majeed syndrome. Review status: no classification provided. Collection method: literature only. Allele origin: unknown. Not counted in ClinVar's aggregate classification.

Genome Diagnostics Laboratory, University Medical Center Utrecht
Classification: Likely benign. Review status: no assertion criteria provided. Collection method: clinical testing. Allele origin: germline. Affected: yes. Study: VKGL Data-share Consensus. Not counted in ClinVar's aggregate classification.

Unité médicale des maladies autoinflammatoires, CHRU Montpellier
No classification provided. Condition: Majeed syndrome. Review status: no classification provided. Collection method: not provided. Allele origin: unknown. Not counted in ClinVar's aggregate classification.

Literature cited by the submitters: PubMed 26764160 (cited by Women's Health and Genetics/Laboratory Corporation of America, LabCorp); PubMed 20301735 (cited by GeneReviews); NCBI Bookshelf NBK1974 (cited by GeneReviews).